The following is an entry in ClinVar:

ClinVar aggregate classification (germline): Likely pathogenic (1 of 4 stars; one submission).

Conditions:
Developmental delay, impaired speech, and behavioral abnormalities, with or without seizures (DEDISB). Identifiers: MedGen C5575272, MONDO:0859263, OMIM 619964.

Submission:

MVZ Martinsried, Medicover Genetics
Classification: Likely pathogenic for Developmental delay, impaired speech, and behavioral abnormalities, with or without seizures. Last evaluated: 2026-07-29. Review status: criteria provided, single submitter. Criteria: ClinGen Variant Curation SOP V3.2 + Classification Guidance July2025. Collection method: clinical testing. Allele origin: unknown. Affected: yes. Observed: 1 heterozygote.
Comment: PVS1, PM2_Supporting

NM_006421.5(ARFGEF1):c.469dup (p.Thr157fs)

Gene: ARFGEF1 (ARF guanine nucleotide exchange factor 1; minus strand). Cytogenetic location: 8q13.2.
Variant type: Duplication.
Coding change: c.469dup on transcript NM_006421.5 (MANE Select); coding-DNA position 469, one base duplicated (A; older notation c.469dupA).
Protein change: p.Thr157fs; shifts the reading frame from threonine 157.
Molecular consequence: frameshift variant. On other transcripts: 5 prime UTR variant (4), non-coding transcript variant (1).
Genome position (GRCh38, 1-based): chr8:67,296,601, T duplicated on the plus strand (A on the coding strand, the reverse complement: ARFGEF1 is on the minus strand). VCF-style (leftmost placement, unchanged base first): chr8-67296600-G-GT. GRCh37 (hg19) VCF-style: chr8-68208835-G-GT.
Other names: c.469dup, p.Thr157fs (NM_001413184.1, NM_001413185.1, NM_001413186.1 and 7 more transcripts); c.-132dup (NM_001413188.1, NM_001413193.1, NM_001413197.1); c.-647dup (NM_001413196.1); short protein forms T157fs.
Identifiers: ClinVar variation 5043481 (VCV005043481.1).
Genomic context (GRCh38, chr8:67,296,600, plus strand): 5'-GTTCTCACAGCTTGCAGTACAGTCCCTTCATGAATTTCTATGTGTTGTGATGTTACTGCA[G>GT]TAAGTAAAGCCTTTAAGAAAAAAAAAGGAAAAAGTTAAAGAGATTTTCTTTTTCTTTTTT-3'